The following is an entry in ClinVar:

ClinVar aggregate classification (germline): Benign (1 of 4 stars; one submission).

Conditions:
Tuberous sclerosis 1 (TSC1). Identifiers: Orphanet 805, MedGen C1854465, MONDO:0008612, OMIM 191100.

Submission:

Myriad Genetics, Inc.
Classification: Benign for Tuberous sclerosis 1. Last evaluated: 2025-04-07. Review status: criteria provided, single submitter. Criteria: Myriad Autosomal Dominant, Autosomal Recessive and X-Linked Classification Criteria (2023). Collection method: clinical testing. Allele origin: unknown.
Comment: This variant is considered benign. This variant is a silent/synonymous amino acid change and it is not expected to impact splicing.

NM_000368.5(TSC1):c.75G>A (p.Val25=)

Gene: TSC1 (TSC complex subunit 1; minus strand). Cytogenetic location: 9q34.13.
Variant type: single nucleotide variant.
Coding change: c.75G>A on transcript NM_000368.5 (MANE Select); coding-DNA position 75, G replaced by A.
Protein change: p.Val25=; no amino-acid change (valine 25 retained).
Molecular consequence: synonymous variant. On other transcripts: 5 prime UTR variant (16), non-coding transcript variant (5), intron variant (2).
Genome position (GRCh38, 1-based): chr9:132,928,798, C>T on the plus strand (G>A on the coding strand, the complement: TSC1 is on the minus strand). VCF-style: chr9-132928798-C-T. GRCh37 (hg19) VCF-style: chr9-135804185-C-T.
Other names: c.75G>A, p.Val25= (NM_001162426.2, NM_001162427.2, NM_001406592.1 and 21 more transcripts); c.-185G>A (NM_001362177.2, NM_001406617.1, NM_001406619.1 and 3 more transcripts); c.-277G>A (NM_001406614.1); c.-414G>A (NM_001406615.1, NM_001406623.1); c.-381G>A (NM_001406616.1, NM_001406624.1); c.-803G>A (NM_001406626.1, NM_001406627.1, NM_001406628.1); c.-945G>A (NM_001406629.1); c.-1019G>A (NM_001406630.1); and 1 more.
Identifiers: ClinVar variation 4071263 (VCV004071263.1).
Genomic context (GRCh38, chr9:132,928,798, plus strand): 5'-TAAGCTAAAAAGGATATTATTTTGCTAACCAGAATTGAGGTTCTCTTTAAAGACAGCTGT[C>T]ACGTCGTCCCGCACACCCAGCATGGGGGAGTCCAGCATGGCAAGAAGCTCCCCGACATTT-3'
Protein context (NP_000359.1, residues 15-35): DSPMLGVRDD[Val25=]TAVFKENLNS